The following is an entry in ClinVar:

ClinVar aggregate classification (germline): Uncertain significance. Review status: criteria provided, multiple submitters, no conflicts (2 of 4 stars). 2 submissions from 2 submitters: Uncertain significance (2). Last evaluated 2026-07-29.

Conditions:
Hereditary cancer-predisposing syndrome. Also called: Hereditary Cancer Syndrome; Neoplastic Syndromes, Hereditary; Hereditary neoplastic syndrome; Tumor predisposition. Identifiers: Orphanet 140162, MedGen C0027672, MeSH D009386, MONDO:0015356.
Pheochromocytoma/paraganglioma syndrome 4. Also called: PARAGANGLIOMA, FAMILIAL MALIGNANT; PARAGANGLIOMAS, HEREDITARY EXTRAADRENAL; PHEOCHROMOCYTOMA, FAMILIAL EXTRAADRENAL; Paragangliomas 4; SDHB-Related Hereditary Paraganglioma-Pheochromocytoma Syndrome (Paragangliomas 4); SDHB-Related Hereditary Paraganglioma-Pheochromocytoma Syndrome. Identifiers: Orphanet 29072, MedGen C1861848, MONDO:0007273, OMIM 115310.
Gastrointestinal stromal tumor. Also called: Gastrointestinal stromal tumor, somatic; Gastrointestinal stroma tumor. Identifiers: Orphanet 44890, MedGen C0238198, MeSH D046152, MONDO:0011719, OMIM 606764, HP:0100723.
Pheochromocytoma. Also called: MAX-Related Hereditary Paraganglioma-Pheochromocytoma Syndrome. Identifiers: Orphanet 29072, MedGen C0031511, MONDO:0008233, OMIM 171300, HP:0002666.

Allele frequency attached by ClinVar (database versions not stated): gnomAD exomes below 0.00001.
gnomAD v4.1: 1 of 1,613,842 alleles (0.000062%); highest among the groups gnomAD compares: Non-Finnish European, 0.000085%; no homozygotes.

Submissions (2):

Ambry Genetics
Classification: Uncertain significance for Hereditary cancer-predisposing syndrome. Last evaluated: 2026-07-29. Review status: criteria provided, single submitter. Criteria: Ambry Variant Classification Scheme 2023. Collection method: clinical testing. Allele origin: germline.
Comment: The p.K78E variant (also known as c.232A>G), located in coding exon 3 of the SDHB gene, results from an A to G substitution at nucleotide position 232. The lysine at codon 78 is replaced by glutamic acid, an amino acid with similar properties. This amino acid position is conserved. In addition, this alteration is predicted to be deleterious by in silico analysis. Based on the available evidence, the clinical significance of this variant remains unclear.

Labcorp Genetics (formerly Invitae), Labcorp
Classification: Uncertain significance for Gastrointestinal stromal tumor; Pheochromocytoma/paraganglioma syndrome 4; Pheochromocytoma. Last evaluated: 2021-10-23. Review status: criteria provided, single submitter. Criteria: Invitae Variant Classification Sherloc (09022015). Collection method: clinical testing. Allele origin: germline.
Comment: This variant has not been reported in the literature in individuals affected with SDHB-related conditions. Advanced modeling of protein sequence and biophysical properties (such as structural, functional, and spatial information, amino acid conservation, physicochemical variation, residue mobility, and thermodynamic stability) performed at Invitae indicates that this missense variant is expected to disrupt SDHB protein function. In summary, the available evidence is currently insufficient to determine the role of this variant in disease. Therefore, it has been classified as a Variant of Uncertain Significance. This variant is not present in population databases (ExAC no frequency). This sequence change replaces lysine with glutamic acid at codon 78 of the SDHB protein (p.Lys78Glu). The lysine residue is highly conserved and there is a small physicochemical difference between lysine and glutamic acid.

NM_003000.3(SDHB):c.232A>G (p.Lys78Glu)

Gene: SDHB (succinate dehydrogenase complex iron sulfur subunit B; minus strand). Cytogenetic location: 1p36.13.
Variant type: single nucleotide variant.
Coding change: c.232A>G on transcript NM_003000.3 (MANE Select); coding-DNA position 232, A replaced by G.
Protein change: p.Lys78Glu; replaces lysine 78 with glutamic acid.
Molecular consequence: missense variant.
Genome position (GRCh38, 1-based): chr1:17,033,114, T>C on the plus strand (A>G on the coding strand, the complement: SDHB is on the minus strand). VCF-style: chr1-17033114-T-C. GRCh37 (hg19) VCF-style: chr1-17359609-T-C.
Other names: c.232A>G (NM_003000.2); short protein forms K78E.
Identifiers: ClinVar variation 1422503 (VCV001422503.8), dbSNP rs2101529019, ClinGen allele CA338276581.
Genomic context (GRCh38, chr1:17,033,114, plus strand): 5'-GCTCACCTTCTCTGCATGATCTTCGGAAGGTCAAAGTAGAGTCAACTTCATTCTTAATCT[T>C]GATTAAAGCATCCAATACCATGGGGCCACATCTAACAAAGAAAAATATCCAGTGGTATTT-3'
Protein context (NP_002991.2, residues 68-88): CGPMVLDALI[Lys78Glu]IKNEVDSTLT